The following is an entry in ClinVar:

ClinVar aggregate classification (germline): Uncertain significance. Review status: criteria provided, multiple submitters, no conflicts (2 of 4 stars). 4 submissions from 4 submitters: Uncertain significance (4). Last evaluated 2026-04-22.

Conditions:
TTN-related disorder. Also called: TTN-related condition; TTN-related disease; TTN-related disorders.

Allele frequency attached by ClinVar (database versions not stated): ExAC 0.00001; gnomAD exomes 0.00001; gnomAD 0.00003 and 0.00004; TOPMed 0.00007.
gnomAD v4.1: 9 of 1,613,852 alleles (0.00056%); highest among the groups gnomAD compares: African/African-American, 0.012%; no homozygotes.

Submissions (4):

PreventionGenetics, part of Exact Sciences
Classification: Uncertain significance for TTN-related condition. Last evaluated: 2026-04-22. Review status: criteria provided, single submitter. Criteria: ACMG Guidelines, 2015. Collection method: clinical testing. Allele origin: germline.
Comment: The TTN c.7459C>A variant is predicted to result in the amino acid substitution p.Pro2487Thr. To our knowledge, this variant has not been reported in the literature. This variant is reported in 0.016% of alleles in individuals of African descent in gnomAD. At this time, the clinical significance of this variant is uncertain due to the absence of conclusive functional and genetic evidence.

GeneDx
Classification: Uncertain significance. Last evaluated: 2022-03-07. Review status: criteria provided, single submitter. Criteria: GeneDx Variant Classification Process June 2021. Collection method: clinical testing. Allele origin: germline. Affected: yes.
Comment: Not observed at a significant frequency in large population cohorts (gnomAD); Missense variant in a gene in which most reported pathogenic variants are truncating/loss-of-function; Has not been previously published as pathogenic or benign to our knowledge

Athena Diagnostics
Classification: Uncertain significance. Last evaluated: 2021-01-05. Review status: criteria provided, single submitter. Criteria: Athena Diagnostics criteria. Collection method: clinical testing. Allele origin: unknown.

Revvity Omics, Revvity
Classification: Uncertain significance. Last evaluated: 2019-02-20. Review status: criteria provided, single submitter. Criteria: ACMG Guidelines, 2015. Collection method: clinical testing. Allele origin: germline.

NM_001267550.2(TTN):c.7459C>A (p.Pro2487Thr)

Genes: TTN (titin; minus strand), LOC126806433 (BRD4-independent group 4 enhancer GRCh37_chr2:179638309-179639508; plus strand). Cytogenetic location: 2q31.2.
Variant type: single nucleotide variant.
Coding change: c.7459C>A on transcript NM_001267550.2 (MANE Select); coding-DNA position 7459, C replaced by A.
Protein change: p.Pro2487Thr; replaces proline 2487 with threonine.
Molecular consequence: missense variant.
Genome position (GRCh38, 1-based): chr2:178,773,597, G>T on the plus strand (C>A on the coding strand, the complement: TTN is on the minus strand). VCF-style: chr2-178773597-G-T. GRCh37 (hg19) VCF-style: chr2-179638324-G-T.
Other names: c.7459C>A, p.Pro2487Thr (NM_001256850.1, NM_133378.4, NM_133379.5); c.7321C>A, p.Pro2441Thr (NM_003319.4, NM_133432.3, NM_133437.4); short protein forms P2441T, P2487T.
Identifiers: ClinVar variation 1256068 (VCV001256068.6), dbSNP rs759448340, ClinGen allele CA2004808.